The following is an entry in ClinVar:

NM_172107.4(KCNQ2):c.18C>T (p.Arg6=)

Gene: KCNQ2 (potassium voltage-gated channel subfamily Q member 2; minus strand). Cytogenetic location: 20q13.33.
Variant type: single nucleotide variant.
Coding change: c.18C>T on transcript NM_172107.4 (MANE Select); coding-DNA position 18, C replaced by T.
Protein change: p.Arg6=; no amino-acid change (arginine 6 retained).
Molecular consequence: synonymous variant.
Genome position (GRCh38, 1-based): chr20:63,472,446, G>A on the plus strand (C>T on the coding strand, the complement: KCNQ2 is on the minus strand). VCF-style: chr20-63472446-G-A. GRCh37 (hg19) VCF-style: chr20-62103799-G-A.
Other names: c.18C>T, p.Arg6= (NM_001382235.1, NM_004518.6, NM_172106.3 and 2 more transcripts); c.18C>T (NM_172107.2).
Identifiers: ClinVar variation 2161875 (VCV002161875.5), dbSNP rs1349536017, ClinGen allele CA511339868.
Genomic context (GRCh38, chr20:63,472,446, plus strand): 5'-CCCCACGAAGCCCACCTTCAGCTTCTTCTCCCCGCTCGGGCCGGGGTATACGCCGCCGTT[G>A]CGCGACTTCTGCACCATGGTGCCTGGCGGGAGGCGCCCCGGGTCGGGCTCAGGCTCAGCG-3'
Protein context (NP_742105.1, residues 1-16): MVQKS[Arg6=]NGGVYPGPSG

ClinVar aggregate classification (germline): Conflicting classifications of pathogenicity. Review status: criteria provided, conflicting classifications (1 of 4 stars). 2 submissions from 2 submitters: Uncertain significance (1); Likely benign (1). Last evaluated 2025-03-13.

Conditions:
Early-infantile DEE. Also called: Ohtahara syndrome; Early infantile epileptic encephalopathy with suppression bursts; Early infantile epileptic encephalopathy. Identifiers: Orphanet 1934, MedGen C0393706, MONDO:0800491.

Allele frequency attached by ClinVar (database versions not stated): gnomAD 0.00001.

Submissions (2):

GeneDx
Classification: Uncertain significance. Last evaluated: 2025-03-13. Review status: criteria provided, single submitter. Criteria: GeneDx Variant Classification Process June 2021. Collection method: clinical testing. Allele origin: germline. Affected: yes.
Comment: In silico analysis indicates that this variant does not alter splicing; Has not been previously published as pathogenic or benign to our knowledge

Labcorp Genetics (formerly Invitae), Labcorp
Classification: Likely benign for Early-infantile DEE. Last evaluated: 2022-09-13. Review status: criteria provided, single submitter. Criteria: Invitae Variant Classification Sherloc (09022015). Collection method: clinical testing. Allele origin: germline.